The following is an entry in ClinVar:

NM_001372044.2(SHANK3):c.3924C>T (p.Gly1308=)

Gene: SHANK3 (SH3 and multiple ankyrin repeat domains 3; plus strand). Cytogenetic location: 22q13.33.
Variant type: single nucleotide variant.
Coding change: c.3924C>T on transcript NM_001372044.2 (MANE Select); coding-DNA position 3924, C replaced by T.
Protein change: p.Gly1308=; no amino-acid change (glycine 1308 retained).
Molecular consequence: synonymous variant.
Genome position (GRCh38, 1-based): chr22:50,721,532, C>T. VCF-style: chr22-50721532-C-T. GRCh37 (hg19) VCF-style: chr22-51159960-C-T.
Identifiers: ClinVar variation 4534271 (VCV004534271.6).

ClinVar aggregate classification (germline): Likely benign (1 of 4 stars; one submission).

Submission:

CeGaT Center for Human Genetics Tuebingen
Classification: Likely benign. Last evaluated: 2025-10-01. Review status: criteria provided, single submitter. Criteria: CeGaT Center For Human Genetics Tuebingen Variant Classification Criteria Version 2. Collection method: clinical testing. Allele origin: germline. Affected: yes. Observed: 1 variant allele.
Comment: SHANK3: BP4, BP7